The following is an entry in ClinVar:

ClinVar aggregate classification (germline): Conflicting classifications of pathogenicity. Review status: criteria provided, conflicting classifications (1 of 4 stars). 17 submissions from 17 submitters: Uncertain significance (1); Benign (4); Likely benign (8). 4 of the submissions do not count toward it. Last evaluated 2026-02-02.

Conditions:
Polycystic kidney disease 4 (PKD4). Also called: PKD3; POLYCYSTIC KIDNEY DISEASE 4 WITH OR WITHOUT POLYCYSTIC LIVER DISEASE; Autosomal Recessive Polycystic Kidney Disease – PKHD1; POLYCYSTIC KIDNEY AND HEPATIC DISEASE 1; POLYCYSTIC KIDNEY DISEASE, INFANTILE, TYPE I. Identifiers: MedGen C4540575, MONDO:0033004, OMIM 263200.
Autosomal recessive polycystic kidney disease (ARPKD). Also called: AR polycystic kidney disease. Identifiers: Orphanet 731, Orphanet 8378, MedGen C0085548, MeSH D017044, MONDO:0009889.
Polycystic kidney disease. Also called: Kidney, Polycystic; Polycystic kidney dysplasia. Identifiers: MedGen C0022680, MeSH D007690, MONDO:0020642, HP:0000113.

Allele frequency attached by ClinVar (database versions not stated): gnomAD exomes 0.00415; ESP Exome Variant Server 0.00346; 1000 Genomes Project 0.00220; ExAC 0.00419; TOPMed 0.00301; 1000 Genomes Project 30x 0.00203; gnomAD 0.00401 and 0.00407.
gnomAD v4.1: 9,129 of 1,614,030 alleles (0.57%); highest among the groups gnomAD compares: Non-Finnish European, 0.67%; 21 homozygotes.

Submissions (17):

Labcorp Genetics (formerly Invitae), Labcorp
Classification: Benign for Autosomal recessive polycystic kidney disease. Last evaluated: 2026-02-02. Review status: criteria provided, single submitter. Criteria: Invitae Variant Classification Sherloc (09022015). Collection method: clinical testing. Allele origin: germline.

CeGaT Center for Human Genetics Tuebingen
Classification: Likely benign. Last evaluated: 2026-01-01. Review status: criteria provided, single submitter. Criteria: CeGaT Center For Human Genetics Tuebingen Variant Classification Criteria Version 2. Collection method: clinical testing. Allele origin: germline. Affected: yes. Observed: 10 variant alleles.
Comment: PKHD1: BP4, BS2

Blueprint Genetics
Classification: Likely benign. Last evaluated: 2024-11-26. Review status: criteria provided, single submitter. Criteria: ACMG Guidelines, 2015. Collection method: clinical testing. Allele origin: germline.

Mayo Clinic Laboratories, Mayo Clinic
Classification: Benign. Last evaluated: 2024-07-17. Review status: criteria provided, single submitter. Criteria: ACMG Guidelines, 2015. Collection method: clinical testing. Allele origin: germline. Observed: 4 variant alleles.
Comment: BS1, BS2, BP4

Molecular Genetics, Royal Melbourne Hospital
Classification: Likely benign for Autosomal recessive polycystic kidney disease. Last evaluated: 2023-09-04. Review status: criteria provided, single submitter. Criteria: ACMG Guidelines, 2015. Collection method: clinical testing. Allele origin: germline. Inheritance: Autosomal recessive inheritance.

Genome-Nilou Lab
Classification: Likely benign for Polycystic kidney disease 4. Last evaluated: 2021-05-18. Review status: criteria provided, single submitter. Criteria: ACMG Guidelines, 2015. Collection method: clinical testing. Allele origin: germline. Affected: no.

GeneDx
Classification: Benign. Last evaluated: 2020-02-12. Review status: criteria provided, single submitter. Criteria: GeneDx Variant Classification Process June 2021. Collection method: clinical testing. Allele origin: germline. Affected: yes.
Comment: This variant is associated with the following publications: (PMID: 12874454, 26990548, 11898128, 21228398)

Women's Health and Genetics/Laboratory Corporation of America, LabCorp
Classification: Benign. Last evaluated: 2019-01-14. Review status: criteria provided, single submitter. Criteria: LabCorp Variant Classification Summary - May 2015. Collection method: clinical testing. Allele origin: germline.
Comment: Variant summary: PKHD1 c.9415G>T (p.Asp3139Tyr) results in a non-conservative amino acid change located in the right handed beta helix domain of the encoded protein sequence. Four of five in-silico tools predict a benign effect of the variant on protein function. The variant allele was found at a frequency of 0.0041 in 277424 control chromosomes, predominantly at a frequency of 0.0075 within the Finnish subpopulation in the gnomAD database, including 1 homozygotes. The observed variant frequency within Finnish control individuals in the gnomAD database is approximately 1.061 fold of the estimated maximal expected allele frequency for a pathogenic variant in PKHD1 causing Polycystic Kidney and Hepatic Disease phenotype (0.0071), strongly suggesting that the variant is a benign polymorphism found primarily in populations of Finnish origin. c.9415G>T has been reported in the literature in individuals affected with Polycystic Kidney and Hepatic Disease (Bergmann_2005, Furu_2003, Gunay-Aygun_2010, Losekoot_2005, Onuchi_2002, rossetti_2003, Ward_2002), however, authors predominantly refer to the variant as a polymorphism. To our knowledge, no experimental evidence demonstrating an impact on protein function has been reported. Four ClinVar submissions from clinical diagnostic laboratories (evaluation after 2014) cite the variant as likely benign/benign. Based on the evidence outlined above, the variant was classified as benign.

Illumina Laboratory Services, Illumina
Classification: Uncertain significance for Polycystic kidney disease 4. Last evaluated: 2017-04-27. Review status: criteria provided, single submitter. Criteria: ICSL Variant Classification Criteria 13 December 2019. Collection method: clinical testing. Allele origin: germline.

Genome Diagnostics Laboratory, University Medical Center Utrecht
Classification: Likely benign for Polycystic kidney disease 4. Last evaluated: 2017-02-01. Review status: criteria provided, single submitter. Criteria: ACGS Guidelines, 2013. Collection method: clinical testing. Allele origin: germline. Affected: yes. Study: VKGL Data-share Consensus.

Clinical Genetics DNA and cytogenetics Diagnostics Lab, Erasmus MC, Erasmus Medical Center
Classification: Likely benign for Polycystic kidney disease 4. Last evaluated: 2015-08-18. Review status: criteria provided, single submitter. Criteria: ACGS Guidelines, 2013. Collection method: clinical testing. Allele origin: germline. Affected: yes. Study: VKGL Data-share Consensus.

Eurofins Ntd Llc (ga)
Classification: Likely benign. Last evaluated: 2015-03-16. Review status: criteria provided, single submitter. Criteria: EGL Classification Definitions 2015. Collection method: clinical testing. Allele origin: germline. Observed: 3 variant alleles, 3 heterozygotes.

PreventionGenetics, part of Exact Sciences
Classification: Likely benign. Review status: criteria provided, single submitter. Criteria: ACMG Guidelines, 2015. Collection method: clinical testing. Allele origin: germline.

Natera, Inc.
Classification: Benign for Autosomal recessive polycystic kidney disease. Last evaluated: 2017-05-23. Review status: no assertion criteria provided. Collection method: clinical testing. Allele origin: germline. Not counted in ClinVar's aggregate classification.

Counsyl
Classification: Likely benign for Polycystic kidney disease, infantile type. Last evaluated: 2014-04-09. Review status: no assertion criteria provided. Collection method: literature only. Allele origin: unknown. Inheritance: Autosomal recessive inheritance. Not counted in ClinVar's aggregate classification.

Department of Pathology and Laboratory Medicine, Sinai Health System
Classification: Benign for Polycystic Kidney disease. Review status: no assertion criteria provided. Collection method: clinical testing. Allele origin: unknown. Affected: yes. Study: The Canadian Open Genetics Repository (COGR). Not counted in ClinVar's aggregate classification.
Comment: The PKHD1 p.Asp3139Tyr variant was identified in 6 of 888 proband chromosomes (frequency: 0.007) from individuals or families with ARPKD and was present in 13 of 1440 control chromosomes (frequency: 0.009) from healthy individuals (Bergmann 2004, Bergmann 2005, Gunay-Aygun 2010, Losekoot 2005, Rosetti 2003, Sharp 2005). The variant was also identified in dbSNP (ID: rs45503297) as "With other allele", ClinVar (classified as benign by Invitae; and as likely benign by Prevention Genetics, Counsyl, and three other submitters), LOVD 3.0 (4x as likely benign), and in RWTH AAachen University ARPKD database (as polymorphism). The variant was identified in control databases in 1133 of 276504 chromosomes (4 homozygous) at a frequency of 0.004, increasing the likelihood this could be a low frequency benign variant (Genome Aggregation Database Feb 27, 2017). The variant was observed in the following populations: African in 27 of 24022 chromosomes (freq: 0.001), Other in 19 of 6456 chromosomes (freq: 0.003), Latino in 34 of 34376 chromosomes (freq: 0.0009), European in 757 of 126108 chromosomes (freq: 0.006), Ashkenazi Jewish in 9 of 10126 chromosomes (freq: 0.001), Finnish in 193 of 25786 chromosomes (freq: 0.007), and South Asian in 94 of 30780 chromosomes (freq: 0.003), while the variant was not observed in the East Asian population. The p.Asp3139 residue is not conserved in mammals and computational analyses (PolyPhen-2, SIFT, AlignGVGD, BLOSUM, MutationTaster) provide inconsistent predictions regarding the impact to the protein; this information is not very predictive of pathogenicity. The variant occurs outside of the splicing consensus sequence and 1 of 4 in silico or computational prediction software programs (SpliceSiteFinder, MaxEntScan, NNSPLICE, GeneSplicer) predict a greater than 10% difference in splicing; this is not very predictive of pathogenicity. In summary, based on the above information, this variant meets our laboratory criteria to be classified as benign.

Laboratory of Diagnostic Genome Analysis, Leiden University Medical Center (LUMC)
Classification: Likely benign. Review status: no assertion criteria provided. Collection method: clinical testing. Allele origin: germline. Affected: yes. Study: VKGL Data-share Consensus. Not counted in ClinVar's aggregate classification.

Literature cited by the submitters: PubMed 11898128 (cited by 4 submitters); PubMed 21228398 (cited by Mayo Clinic Laboratories, Mayo Clinic); PubMed 26990548 (cited by Mayo Clinic Laboratories, Mayo Clinic); PubMed 34405919 (cited by Mayo Clinic Laboratories, Mayo Clinic); PubMed 15698423 (cited by Women's Health and Genetics/Laboratory Corporation of America, LabCorp and Counsyl); PubMed 12874454 (cited by 3 submitters); PubMed 16133180 (cited by 3 submitters); PubMed 12846734 (cited by Women's Health and Genetics/Laboratory Corporation of America, LabCorp and Counsyl); PubMed 11919560 (cited by Women's Health and Genetics/Laboratory Corporation of America, LabCorp and Counsyl); PubMed 19914852 (cited by 3 submitters); PubMed 15108281 (cited by Counsyl); PubMed 15805161 (cited by Counsyl).

NM_138694.4(PKHD1):c.9415G>T (p.Asp3139Tyr)

Gene: PKHD1 (PKHD1 ciliary IPT domain containing fibrocystin/polyductin; minus strand). Cytogenetic location: 6p12.3.
Variant type: single nucleotide variant.
Coding change: c.9415G>T on transcript NM_138694.4 (MANE Select); coding-DNA position 9415, G replaced by T.
Protein change: p.Asp3139Tyr; replaces aspartic acid 3139 with tyrosine.
Molecular consequence: missense variant.
Genome position (GRCh38, 1-based): chr6:51,748,201, C>A on the plus strand (G>T on the coding strand, the complement: PKHD1 is on the minus strand). VCF-style: chr6-51748201-C-A. GRCh37 (hg19) VCF-style: chr6-51612999-C-A.
Other names: c.9415G>T, p.Asp3139Tyr (NM_170724.3); short protein forms D3139Y.
Identifiers: ClinVar variation 167479 (VCV000167479.65), dbSNP rs45503297, ClinGen allele CA180301.